The following is an entry in ClinVar:

ClinVar aggregate classification (germline): Uncertain significance (1 of 4 stars; one submission).

Submission:

GeneDx
Classification: Uncertain significance. Last evaluated: 2024-03-18. Review status: criteria provided, single submitter. Criteria: GeneDx Variant Classification Process June 2021. Collection method: clinical testing. Allele origin: germline. Affected: yes.
Comment: Alters the last nucleotide of the exon in a gene for which loss of function is a known mechanism of disease, and both splice predictors and evolutionary conservation support a deleterious effect, although in the absence of functional evidence the actual effect of this sequence change is unknown; Not observed at significant frequency in large population cohorts (gnomAD); Has not been previously published as pathogenic or benign to our knowledge

NM_003128.3(SPTBN1):c.1644G>T (p.Lys548Asn)

Gene: SPTBN1 (spectrin beta, non-erythrocytic 1; plus strand). Cytogenetic location: 2p16.2.
Variant type: single nucleotide variant.
Coding change: c.1644G>T on transcript NM_003128.3 (MANE Select); coding-DNA position 1644, G replaced by T.
Protein change: p.Lys548Asn; replaces lysine 548 with asparagine.
Molecular consequence: missense variant.
Genome position (GRCh38, 1-based): chr2:54,626,234, G>T. VCF-style: chr2-54626234-G-T. GRCh37 (hg19) VCF-style: chr2-54853371-G-T.
Other names: c.1605G>T, p.Lys535Asn (NM_178313.3); short protein forms K535N, K548N.
Identifiers: ClinVar variation 3371013 (VCV003371013.1).